The following is an entry in ClinVar:

ClinVar aggregate classification (germline): Uncertain significance (1 of 4 stars; one submission).

Conditions:
Dilated cardiomyopathy 1J (CMD1J). Also called: CARDIOMYOPATHY, DILATED, WITH SENSORINEURAL HEARING LOSS, AUTOSOMAL DOMINANT. Identifiers: Orphanet 217622, MedGen C1854368, MONDO:0011541, OMIM 605362.

Submission:

Labcorp Genetics (formerly Invitae), Labcorp
Classification: Uncertain significance for Dilated cardiomyopathy 1J. Last evaluated: 2024-03-07. Review status: criteria provided, single submitter. Criteria: Invitae Variant Classification Sherloc (09022015). Collection method: clinical testing. Allele origin: germline.
Comment: This sequence change replaces glycine, which is neutral and non-polar, with serine, which is neutral and polar, at codon 44 of the EYA4 protein (p.Gly44Ser). This variant is not present in population databases (gnomAD no frequency). This variant has not been reported in the literature in individuals affected with EYA4-related conditions. Algorithms developed to predict the effect of missense changes on protein structure and function output the following: SIFT: "Not Available"; PolyPhen-2: "Benign"; Align-GVGD: "Not Available". The serine amino acid residue is found in multiple mammalian species, which suggests that this missense change does not adversely affect protein function. In summary, the available evidence is currently insufficient to determine the role of this variant in disease. Therefore, it has been classified as a Variant of Uncertain Significance.

NM_004100.5(EYA4):c.130G>A (p.Gly44Ser)

Gene: EYA4 (EYA transcriptional coactivator and phosphatase 4; plus strand). Cytogenetic location: 6q23.2.
Variant type: single nucleotide variant.
Coding change: c.130G>A on transcript NM_004100.5 (MANE Select); coding-DNA position 130, G replaced by A.
Protein change: p.Gly44Ser; replaces glycine 44 with serine.
Molecular consequence: missense variant.
Genome position (GRCh38, 1-based): chr6:133,446,676, G>A. VCF-style: chr6-133446676-G-A. GRCh37 (hg19) VCF-style: chr6-133767814-G-A.
Other names: c.130G>A, p.Gly44Ser (NM_001301012.2, NM_001301013.2, NM_001370458.1 and 3 more transcripts); short protein forms G44S.
Identifiers: ClinVar variation 3693636 (VCV003693636.2).